The following is an entry in ClinVar:

NM_139159.5(DPP9):c.266A>G (p.Gln89Arg)

Genes: DPP9 (dipeptidyl peptidase 9; minus strand), LOC126862842 (CDK7 strongly-dependent group 2 enhancer GRCh37_chr19:4713085-4714284; plus strand). Cytogenetic location: 19p13.3.
Variant type: single nucleotide variant.
Coding change: c.266A>G on transcript NM_139159.5 (MANE Select); coding-DNA position 266, A replaced by G.
Protein change: p.Gln89Arg; replaces glutamine 89 with arginine.
Molecular consequence: missense variant. On other transcripts: non-coding transcript variant (11).
Genome position (GRCh38, 1-based): chr19:4,714,128, T>C on the plus strand (A>G on the coding strand, the complement: DPP9 is on the minus strand). VCF-style: chr19-4714128-T-C. GRCh37 (hg19) VCF-style: chr19-4714140-T-C.
Other names: c.266A>G, p.Gln89Arg (NM_001384631.1, NM_001384634.1, NM_001384635.1 and 19 more transcripts); c.179A>G, p.Gln60Arg (NM_001384632.1, NM_001384633.1, NM_001384623.1 and 4 more transcripts); short protein forms Q60R, Q89R.
Identifiers: ClinVar variation 4822090 (VCV004822090.4).

ClinVar aggregate classification (germline): Uncertain significance (1 of 4 stars; one submission).

Submission:

CeGaT Center for Human Genetics Tuebingen
Classification: Uncertain significance. Last evaluated: 2026-03-01. Review status: criteria provided, single submitter. Criteria: CeGaT Center For Human Genetics Tuebingen Variant Classification Criteria Version 2. Collection method: clinical testing. Allele origin: germline. Affected: yes. Observed: 1 variant allele.
Comment: DPP9: PM2